The following is an entry in ClinVar:

ClinVar aggregate classification (germline): Uncertain significance (1 of 4 stars; one submission).

Submission:

Labcorp Genetics (formerly Invitae), Labcorp
Classification: Uncertain significance. Last evaluated: 2025-12-30. Review status: criteria provided, single submitter. Criteria: Invitae Variant Classification Sherloc (09022015). Collection method: clinical testing. Allele origin: germline.
Comment: This sequence change replaces isoleucine, which is neutral and non-polar, with valine, which is neutral and non-polar, at codon 70 of the GFM2 protein (p.Ile70Val). This variant is not present in population databases (gnomAD no frequency). This variant has not been reported in the literature in individuals affected with GFM2-related conditions. An algorithm developed to predict the effect of missense changes on protein structure and function (PolyPhen-2) suggests that this variant is likely to be disruptive. In summary, the available evidence is currently insufficient to determine the role of this variant in disease. Therefore, it has been classified as a Variant of Uncertain Significance.

NM_032380.5(GFM2):c.208A>G (p.Ile70Val)

Gene: GFM2 (GTP dependent ribosome recycling factor mitochondrial 2; minus strand). Cytogenetic location: 5q13.3.
Variant type: single nucleotide variant.
Coding change: c.208A>G on transcript NM_032380.5 (MANE Select); coding-DNA position 208, A replaced by G.
Protein change: p.Ile70Val; replaces isoleucine 70 with valine.
Molecular consequence: missense variant. On other transcripts: non-coding transcript variant (1).
Genome position (GRCh38, 1-based): chr5:74,758,945, T>C on the plus strand (A>G on the coding strand, the complement: GFM2 is on the minus strand). VCF-style: chr5-74758945-T-C. GRCh37 (hg19) VCF-style: chr5-74054770-T-C.
Other names: c.304A>G, p.Ile102Val (NM_001281302.2); c.208A>G, p.Ile70Val (NM_170681.3, NM_170691.3); short protein forms I102V, I70V.
Identifiers: ClinVar variation 4699025 (VCV004699025.1).